The following is an entry in ClinVar:

NM_000094.4(COL7A1):c.8323G>A (p.Gly2775Ser)

Gene: COL7A1 (collagen type VII alpha 1 chain; minus strand). Cytogenetic location: 3p21.31.
Variant type: single nucleotide variant.
Coding change: c.8323G>A on transcript NM_000094.4 (MANE Select); coding-DNA position 8323, G replaced by A.
Protein change: p.Gly2775Ser; replaces glycine 2775 with serine.
Molecular consequence: missense variant.
Genome position (GRCh38, 1-based): chr3:48,566,545, C>T on the plus strand (G>A on the coding strand, the complement: COL7A1 is on the minus strand). VCF-style: chr3-48566545-C-T. GRCh37 (hg19) VCF-style: chr3-48603978-C-T.
Other names: short protein forms G2775S.
Identifiers: ClinVar variation 1068913 (VCV001068913.28), dbSNP rs1333259313, ClinGen allele CA352636944.

ClinVar aggregate classification (germline): Pathogenic. Review status: criteria provided, multiple submitters, no conflicts (2 of 4 stars). 4 submissions from 4 submitters: Pathogenic (4). Last evaluated 2025-05-16.

Conditions:
Recessive dystrophic epidermolysis bullosa (RDEB). Also called: severe generalized recessive dystrophic epidermolysis bullosa; EPIDERMOLYSIS BULLOSA DYSTROPHICA, GENERALIZED SEVERE, AUTOSOMAL RECESSIVE; DYSTROPHIC EPIDERMOLYSIS BULLOSA, AUTOSOMAL RECESSIVE; EPIDERMOLYSIS BULLOSA DYSTROPHICA, HALLOPEAU-SIEMENS TYPE; Epidermolysis Bullosa Distrophica Autosomal Recessive (RDEB); epidermolysis bullosa dystrophica, autosomal recessive. Identifiers: Orphanet 79408, Orphanet 79409, MedGen C0079474, MONDO:0009179, OMIM 226600.
Epidermolysis bullosa dystrophica. Also called: Dystrophic epidermolysis bullosa, Hallopeau-Siemens type (formerly); Dystrophic epidermolysis bullosa. Identifiers: Orphanet 303, MedGen C0079294, MONDO:0006543.

Allele frequency attached by ClinVar (database versions not stated): gnomAD exomes below 0.00001 and 0.00001; TOPMed 0.00001; gnomAD 0.00002.
gnomAD v4.1: 11 of 1,614,048 alleles (0.00068%); highest among the groups gnomAD compares: African/African-American, 0.0027%; no homozygotes.

Submissions (4):

Natera, Inc.
Classification: Pathogenic for Dystrophic epidermolysis bullosa. Last evaluated: 2025-05-16. Review status: criteria provided, single submitter. Criteria: Natera Variant Classification Schema (03/2026). Collection method: clinical testing. Allele origin: germline.
Comment: The c.8323G>A variant in COL7A1 is a missense variant predicted to cause substitution of glycine to serine at amino acid 2775. This variant is rare in the general population with a frequency below the threshold expected for the associated phenotype(s). This variant has been observed in one or more individuals affected with the associated recessive disease, as either homozygous or compound heterozygous with a second variant (PMID: 11781296, 20555349, 21113014). Given the available evidence, this variant is classified as Pathogenic.

Women's Health and Genetics/Laboratory Corporation of America, LabCorp
Classification: Pathogenic for Dystrophic Epidermolysis Bullosa, Recessive. Last evaluated: 2024-08-16. Review status: criteria provided, single submitter. Criteria: LabCorp Variant Classification Summary - May 2015. Collection method: clinical testing. Allele origin: germline.
Comment: Variant summary: COL7A1 c.8323G>A (p.Gly2775Ser) results in a non-conservative amino acid change in the encoded protein sequence. Five of five in-silico tools predict a damaging effect of the variant on protein function. The variant allele was found at a frequency of 1.2e-05 in 251402 control chromosomes. c.8323G>A has been reported in the literature in the homozygous, compound heterozygous, or presumed compound heterozygous state in multiple individuals affected with Dystrophic Epidermolysis Bullosa, Recessive (example, Kon_1998, Whittock_1999, Zimmer_2002, van den Akker_2011). These data indicate that the variant is very likely to be associated with disease. At least one publication reports experimental evidence evaluating an impact on protein function. In vitro experiments in HEK293 and human keratinocyte cell lines showed this variant impairs trimer formation and cell migration ability (example, Woodley_2021). The following publications have been ascertained in the context of this evaluation (PMID: 9740253, 10504458, 34674926, 11781296, 21113014). ClinVar contains an entry for this variant (Variation ID: 1068913). Based on the evidence outlined above, the variant was classified as pathogenic.

Labcorp Genetics (formerly Invitae), Labcorp
Classification: Pathogenic. Last evaluated: 2023-12-13. Review status: criteria provided, single submitter. Criteria: Invitae Variant Classification Sherloc (09022015). Collection method: clinical testing. Allele origin: germline.
Comment: This sequence change replaces glycine, which is neutral and non-polar, with serine, which is neutral and polar, at codon 2775 of the COL7A1 protein (p.Gly2775Ser). This variant is present in population databases (no rsID available, gnomAD 0.007%). This missense change has been observed in individual(s) with recessive dystrophic epidermolysis bullosa (PMID: 9740253, 10504458, 11781296, 20555349). In at least one individual the data is consistent with being in trans (on the opposite chromosome) from a pathogenic variant. ClinVar contains an entry for this variant (Variation ID: 1068913). Advanced modeling of protein sequence and biophysical properties (such as structural, functional, and spatial information, amino acid conservation, physicochemical variation, residue mobility, and thermodynamic stability) has been performed at Invitae for this missense variant, however the output from this modeling did not meet the statistical confidence thresholds required to predict the impact of this variant on COL7A1 protein function. For these reasons, this variant has been classified as Pathogenic.

Center for Research in Genodermatoses and Epidermolysis Bullosa, University of Buenos Aires
Classification: Pathogenic for Recessive dystrophic epidermolysis bullosa. Last evaluated: 2022-03-14. Review status: criteria provided, single submitter. Criteria: ACMG Guidelines, 2015. Collection method: clinical testing. Allele origin: germline. Affected: yes. Observed: 1 variant allele, 1 compound heterozygote.

Literature cited by the submitters: PubMed 11781296 (cited by 3 submitters); PubMed 20555349 (cited by Natera, Inc. and Labcorp Genetics (formerly Invitae), Labcorp); PubMed 21113014 (cited by Natera, Inc. and Women's Health and Genetics/Laboratory Corporation of America, LabCorp); PubMed 10504458 (cited by Women's Health and Genetics/Laboratory Corporation of America, LabCorp and Labcorp Genetics (formerly Invitae), Labcorp); PubMed 34674926 (cited by Women's Health and Genetics/Laboratory Corporation of America, LabCorp); PubMed 9740253 (cited by 3 submitters); PubMed 35979658 (cited by Center for Research in Genodermatoses and Epidermolysis Bullosa, University of Buenos Aires).